The following is an entry in ClinVar:

ClinVar aggregate classification (germline): Uncertain significance (1 of 4 stars; one submission).

Allele frequency attached by ClinVar (database versions not stated): gnomAD exomes below 0.00001; gnomAD 0.00001; TOPMed 0.00001; ESP Exome Variant Server 0.00017.
gnomAD v4.1: 7 of 765,182 alleles (0.00091%); highest among the groups gnomAD compares: Admixed American, 0.0017%; no homozygotes.

Submission:

Labcorp Genetics (formerly Invitae), Labcorp
Classification: Uncertain significance. Last evaluated: 2022-07-11. Review status: criteria provided, single submitter. Criteria: Invitae Variant Classification Sherloc (09022015). Collection method: clinical testing. Allele origin: germline.
Comment: In summary, the available evidence is currently insufficient to determine the role of this variant in disease. Therefore, it has been classified as a Variant of Uncertain Significance. Experimental studies and prediction algorithms are not available or were not evaluated, and the functional significance of this variant is currently unknown. ClinVar contains an entry for this variant (Variation ID: 1512016). This variant has not been reported in the literature in individuals affected with SNORD118-related conditions. This variant is present in population databases (rs200875242, gnomAD 0.0009%). This variant occurs in the SNORD118 gene, which encodes an RNA molecule that does not result in a protein product.

NR_033294.2(SNORD118):n.22T>C

Genes: SNORD118 (small nucleolar RNA, C/D box 118; minus strand), TMEM107 (transmembrane protein 107; minus strand). Cytogenetic location: 17p13.1.
Variant type: single nucleotide variant.
Molecular consequence: non-coding transcript variant (on NR_033294.2). On other transcripts: 3 prime UTR variant (5).
Genome position: GRCh38 VCF-style: chr17-8173567-A-G. GRCh37 (hg19) VCF-style: chr17-8076885-A-G.
Other names: c.*636T>C (NM_001351278.2, NM_001351279.2, NM_001351280.2 and 2 more transcripts).
Identifiers: ClinVar variation 1512016 (VCV001512016.6), dbSNP rs200875242, ClinGen allele CA8370806.
Genomic context (GRCh38, chr17:8,173,567, plus strand): 5'-TCACGTTTCATGCATCTCCAATCATCATGTTCTAATCTGCCCTCCGGAGGAGGAACAGGT[A>G]AGGATTATCCCACCTGACGATACAGACAAACAGCCGACATTCTGCACTCAGTGAAAAAGA-3'